The following is an entry in ClinVar:

NM_001035.3(RYR2):c.9331C>T (p.His3111Tyr)

Gene: RYR2 (ryanodine receptor 2; plus strand). Cytogenetic location: 1q43.
Variant type: single nucleotide variant.
Coding change: c.9331C>T on transcript NM_001035.3 (MANE Select); coding-DNA position 9331, C replaced by T.
Protein change: p.His3111Tyr; replaces histidine 3111 with tyrosine.
Molecular consequence: missense variant.
Genome position (GRCh38, 1-based): chr1:237,700,431, C>T. VCF-style: chr1-237700431-C-T. GRCh37 (hg19) VCF-style: chr1-237863731-C-T.
Other names: short protein forms H3111Y.
Identifiers: ClinVar variation 5037258 (VCV005037258.1).
Genomic context (GRCh38, chr1:237,700,431, plus strand): 5'-ACTCAGATTATCAATTACACCACAGTGGCCCTGCTGCCAATGCTGTCTTCATTATTTGAA[C>T]ATATTGGCCAGCATCAGTTCGGAGAAGACCTAATATGTATGTAAATTTATATCTTGGAGT-3'
Protein context (NP_001026.2, residues 3101-3121): LLPMLSSLFE[His3111Tyr]IGQHQFGEDL

ClinVar aggregate classification (germline): Uncertain significance (1 of 4 stars; one submission).

Submission:

GeneDx
Classification: Uncertain significance. Last evaluated: 2026-04-15. Review status: criteria provided, single submitter. Criteria: GeneDx Variant Classification Process June 2021. Collection method: clinical testing. Allele origin: germline.
Comment: Not observed at significant frequency in large population cohorts (gnomAD); In silico analysis supports that this missense variant has a deleterious effect on protein structure/function; Has not been previously published as pathogenic or benign to our knowledge; Not located in one of the three hot-spot regions of the RYR2 gene, where the majority of pathogenic missense variants occur